The following is an entry in ClinVar:

NM_004364.5(CEBPA):c.966C>A (p.Asp322Glu)

Gene: CEBPA (CCAAT enhancer binding protein alpha; minus strand). Cytogenetic location: 19q13.11.
Variant type: single nucleotide variant.
Coding change: c.966C>A on transcript NM_004364.5 (MANE Select); coding-DNA position 966, C replaced by A.
Protein change: p.Asp322Glu; replaces aspartic acid 322 with glutamic acid.
Molecular consequence: missense variant.
Genome position (GRCh38, 1-based): chr19:33,301,449, G>T on the plus strand (C>A on the coding strand, the complement: CEBPA is on the minus strand). VCF-style: chr19-33301449-G-T. GRCh37 (hg19) VCF-style: chr19-33792355-G-T.
Other names: c.609C>A, p.Asp203Glu (NM_001285829.2); c.1071C>A, p.Asp357Glu (NM_001287424.2); c.924C>A, p.Asp308Glu (NM_001287435.2); c.966C>A (NM_004364.3); short protein forms D322E, D357E, D203E, D308E.
Identifiers: ClinVar variation 1046479 (VCV001046479.10), dbSNP rs903305652, ClinGen allele CA405273816.
Genomic context (GRCh38, chr19:33,301,449, plus strand): 5'-GAAGATGCCCCGCAGCGTGTCCAGTTCGCGGCTCAGCTGTTCCACCCGCTTGCGCAGGCG[G>T]TCATTGTCACTGGTCAGCTCCAGCACCTTCTGCTGCGTCTCCACGTTGCGCTGCTTGGCC-3'
Protein context (NP_004355.2, residues 312-332): QKVLELTSDN[Asp322Glu]RLRKRVEQLS

ClinVar aggregate classification (germline): Uncertain significance. Review status: criteria provided, multiple submitters, no conflicts (2 of 4 stars). 2 submissions from 2 submitters: Uncertain significance (2). Last evaluated 2025-06-20.

Conditions:
Acute myeloid leukemia (AML). Also called: Leukemia, acute myeloid, somatic; Leukemia, acute myelogenous, somatic; Acute myeloid leukemia, adult; AML adult; Acute non-lymphocytic leukemia; Acute granulocytic leukemia. Identifiers: Orphanet 519, MedGen C0023467, MeSH D015470, MONDO:0018874, OMIM 601626, HP:0004808. Disease mechanism: Constitutively activated FLT3.
Inborn genetic diseases. Identifiers: MedGen C0950123, MeSH D030342.

Submissions (2):

Ambry Genetics
Classification: Uncertain significance for Inborn genetic diseases. Last evaluated: 2025-06-20. Review status: criteria provided, single submitter. Criteria: Ambry Variant Classification Scheme 2023. Collection method: clinical testing. Allele origin: germline.
Comment: The p.D322E variant (also known as c.966C>A), located in coding exon 1 of the CEBPA gene, results from a C to A substitution at nucleotide position 966. The aspartic acid at codon 322 is replaced by glutamic acid, an amino acid with highly similar properties. This amino acid position is conserved. In addition, this alteration is predicted to be tolerated by in silico analysis. Based on the available evidence, the clinical significance of this variant remains unclear.

Labcorp Genetics (formerly Invitae), Labcorp
Classification: Uncertain significance for Acute myeloid leukemia. Last evaluated: 2020-01-15. Review status: criteria provided, single submitter. Criteria: Invitae Variant Classification Sherloc (09022015). Collection method: clinical testing. Allele origin: germline.
Comment: This sequence change replaces aspartic acid with glutamic acid at codon 322 of the CEBPA protein (p.Asp322Glu). The aspartic acid residue is moderately conserved and there is a small physicochemical difference between aspartic acid and glutamic acid. This variant is not present in population databases (ExAC no frequency). This variant has not been reported in the literature in individuals with CEBPA-related conditions. Algorithms developed to predict the effect of missense changes on protein structure and function (SIFT, PolyPhen-2, Align-GVGD) all suggest that this variant is likely to be tolerated, but these predictions have not been confirmed by published functional studies and their clinical significance is uncertain. In summary, the available evidence is currently insufficient to determine the role of this variant in disease. Therefore, it has been classified as a Variant of Uncertain Significance.